The following is an entry in ClinVar:

ClinVar aggregate classification (germline): Pathogenic (1 of 4 stars; one submission).

Submission:

Quest Diagnostics Nichols Institute San Juan Capistrano
Classification: Pathogenic. Last evaluated: 2025-04-29. Review status: criteria provided, single submitter. Criteria: ACMG/ClinGen CNV Guidelines, 2019. Collection method: clinical testing. Allele origin: unknown.
Comment: This 10q26.13q26.3 deletion involves at least 52 protein-coding genes, including EBF3 (OMIM 607407). Deletions of 10q26 are associated with terminal 10q26 deletion syndrome (OMIM 609625, Ciaccio 2023, Lin 2016, Nishi 2021, Plaisancie 2014). Variable expressivity has been suggested with both mild and severe phenotypes seen in individuals with similar breakpoints and gene content (Laudier 2016, Tanteles 2015). Additionally, haploinsufficiency of EBF3 is associated with hypotonia, ataxia, and delayed development syndrome (OMIM 617330; CCID:007047). Therefore, this copy number variant (CNV) is classified as pathogenic. References: Ciaccio et al., Neurol Genet. 2023 Jan 23;9(2):e200049. PMID: 37090941 Laudier et al., Am J Med Genet A. 2016 Jul;170(7):1806-12. PMID: 27113058 Lin et al., Mol Med Rep. 2016 Dec;14(6):5134-5140. PMID: 27779662 Nishi et al., Am J Med Genet A. 2021 Oct;185(10):2913-2921. PMID: 34050706 Plaisancie et al., Eur J Med Genet. 2014 Jan;57(1):47-53. PMID: 24275544 Tanteles et al., Case Rep Genet. 2015;2015:242891. PMID: 26294985

GRCh37/hg19 10q26.13-26.3(chr10:126513306-135427143)x1

Genes: ABRAXAS2 (abraxas 2, BRISC complex subunit; plus strand), ADAM12 (ADAM metallopeptidase domain 12; minus strand), ADAM8 (ADAM metallopeptidase domain 8; minus strand), ADGRA1 (adhesion G protein-coupled receptor A1; plus strand), BCCIP (BRCA2 and CDKN1A interacting protein; plus strand) and 47 more. Cytogenetic location: 10q26.13-26.3.
Variant type: copy number loss.
Change: copy number 1 (one copy instead of two) of chr10:126,513,306-135,427,143 (8.91 Mb, GRCh37 coordinates, 1-based), cytogenetic band 10q26.13-26.3.
Identifiers: ClinVar variation 4682770 (VCV004682770.1).